The following is an entry in ClinVar:

NM_006231.4(POLE):c.652A>T (p.Ile218Phe)

Gene: POLE (DNA polymerase epsilon, catalytic subunit; minus strand). Cytogenetic location: 12q24.33.
Variant type: single nucleotide variant.
Coding change: c.652A>T on transcript NM_006231.4 (MANE Select); coding-DNA position 652, A replaced by T.
Protein change: p.Ile218Phe; replaces isoleucine 218 with phenylalanine.
Molecular consequence: missense variant.
Genome position (GRCh38, 1-based): chr12:132,677,646, T>A on the plus strand (A>T on the coding strand, the complement: POLE is on the minus strand). VCF-style: chr12-132677646-T-A. GRCh37 (hg19) VCF-style: chr12-133254232-T-A.
Other names: short protein forms I218F.
Identifiers: ClinVar variation 2996411 (VCV002996411.3), dbSNP rs1319446692, ClinGen allele CA387365043.

ClinVar aggregate classification (germline): Uncertain significance (1 of 4 stars; one submission).

Submission:

Labcorp Genetics (formerly Invitae), Labcorp
Classification: Uncertain significance. Last evaluated: 2023-02-16. Review status: criteria provided, single submitter. Criteria: Invitae Variant Classification Sherloc (09022015). Collection method: clinical testing. Allele origin: germline.
Comment: This sequence change replaces isoleucine, which is neutral and non-polar, with phenylalanine, which is neutral and non-polar, at codon 218 of the POLE protein (p.Ile218Phe). This variant is not present in population databases (gnomAD no frequency). This variant has not been reported in the literature in individuals affected with POLE-related conditions. Advanced modeling of protein sequence and biophysical properties (such as structural, functional, and spatial information, amino acid conservation, physicochemical variation, residue mobility, and thermodynamic stability) performed at Invitae indicates that this missense variant is not expected to disrupt POLE protein function. In summary, the available evidence is currently insufficient to determine the role of this variant in disease. Therefore, it has been classified as a Variant of Uncertain Significance.